The following is an entry in ClinVar:

ClinVar aggregate classification (germline): Uncertain significance (1 of 4 stars; one submission).

Conditions:
Fanconi anemia (FA). Also called: Fanconi's anemia. Identifiers: Orphanet 84, MedGen C0015625, MeSH D005199, MONDO:0019391.

Submission:

Labcorp Genetics (formerly Invitae), Labcorp
Classification: Uncertain significance for Fanconi anemia. Last evaluated: 2024-08-31. Review status: criteria provided, single submitter. Criteria: Invitae Variant Classification Sherloc (09022015). Collection method: clinical testing. Allele origin: germline.
Comment: This sequence change replaces serine, which is neutral and polar, with histidine, which is basic and polar, at codon 1148 of the FANCM protein (p.Ser1148His). Information on the frequency of this variant in the gnomAD database is not available, as this variant may be reported differently in the database. This variant has not been reported in the literature in individuals affected with FANCM-related conditions. An algorithm developed to predict the effect of missense changes on protein structure and function (PolyPhen-2) suggests that this variant is likely to be disruptive. In summary, the available evidence is currently insufficient to determine the role of this variant in disease. Therefore, it has been classified as a Variant of Uncertain Significance.

NM_020937.4(FANCM):c.3442_3443delinsCA (p.Ser1148His)

Gene: FANCM (FA complementation group M; plus strand). Cytogenetic location: 14q21.2.
Variant type: Indel.
Coding change: c.3442_3443delinsCA on transcript NM_020937.4 (MANE Select); coding-DNA positions 3442 to 3443, AG replaced by CA.
Protein change: p.Ser1148His; replaces serine 1148 with histidine.
Molecular consequence: missense variant.
Genome position (GRCh38, 1-based): chr14:45,176,196-45,176,197, AG replaced by CA. VCF-style: chr14-45176196-AG-CA. GRCh37 (hg19) VCF-style: chr14-45645399-AG-CA.
Other names: c.3364_3365delinsCA, p.Ser1122His (NM_001308133.2); short protein forms S1122H, S1148H.
Identifiers: ClinVar variation 3664085 (VCV003664085.2).
Genomic context (GRCh38, chr14:45,176,196, plus strand): 5'-ACTGATCAAGATGAAAGTTTGCTGTTATTTGAAGATGTTAATACAGAGTTCGACGATGTG[AG>CA]TCTTTCACCCTTGAACAGTAAAAGCGAATCTTTACCTGTGTCAGACAAAACTGCTATTAG-3'
Protein context (NP_065988.1, residues 1138-1158): EDVNTEFDDV[Ser1148His]LSPLNSKSES